The following is an entry in ClinVar:

ClinVar aggregate classification (germline): Pathogenic/Likely pathogenic. Review status: criteria provided, multiple submitters, no conflicts (2 of 4 stars). 4 submissions from 4 submitters: Pathogenic (2); Likely pathogenic (1). 1 of the submissions does not count toward it. Last evaluated 2025-01-26.

Conditions:
Hereditary cancer-predisposing syndrome. Also called: Neoplastic Syndromes, Hereditary; Hereditary neoplastic syndrome; Hereditary Cancer Syndrome; Tumor predisposition. Identifiers: Orphanet 140162, MedGen C0027672, MeSH D009386, MONDO:0015356.
Nijmegen breakage syndrome-like disorder (NBSLD). Also called: MICROCEPHALY AND SPONTANEOUS CHROMOSOME INSTABILITY WITHOUT IMMUNODEFICIENCY; NBS-LIKE DISORDER; RAD50 DEFICIENCY. Identifiers: Orphanet 240760, MedGen C2751318, MONDO:0013118, OMIM 613078.
Type 2 diabetes mellitus. Also called: Type II diabetes mellitus. Identifiers: MedGen C0011860, MeSH D003924, MONDO:0005148, OMIM 125853, HP:0005978.

Allele frequency attached by ClinVar (database versions not stated): ExAC 0.00001; gnomAD 0.00001; gnomAD exomes 0.00001; TOPMed 0.00001.
gnomAD v4.1: 8 of 1,611,842 alleles (0.0005%); highest among the groups gnomAD compares: African/African-American, 0.0013%; no homozygotes.

Submissions (4):

Labcorp Genetics (formerly Invitae), Labcorp
Classification: Pathogenic for Hereditary cancer-predisposing syndrome. Last evaluated: 2025-01-26. Review status: criteria provided, single submitter. Criteria: Invitae Variant Classification Sherloc (09022015). Collection method: clinical testing. Allele origin: germline.
Comment: This sequence change creates a premature translational stop signal (p.Arg1152*) in the RAD50 gene. It is expected to result in an absent or disrupted protein product. Loss-of-function variants in RAD50 are known to be pathogenic (PMID: 19409520). This variant is present in population databases (rs745797941, gnomAD 0.003%). This variant has not been reported in the literature in individuals affected with RAD50-related conditions. ClinVar contains an entry for this variant (Variation ID: 233174). For these reasons, this variant has been classified as Pathogenic.

Sema4
Classification: Likely pathogenic for Nijmegen breakage syndrome-like disorder. Last evaluated: 2021-12-21. Review status: criteria provided, single submitter. Criteria: Sema4 Curation Guidelines. Collection method: curation. Allele origin: germline.
Comment: To the best of our knowledge, the RAD50 c.3454C>T (p.R1152X) variant has not been reported in individuals with RAD50-related disease. This nonsense variant creates a premature stop codon at residue 1152 of the RAD50 protein. At this location, nonsense-mediated decay is predicted to occur, resulting in a loss of gene function. Loss of function variants in RAD50 are known to be pathogenic (PMID: 19409520). This variant was observed in 1/30612 chromosomes in the South Asian population according to the Genome Aggregation Database (PMID: 32461654). This variant has been reported in ClinVar (Variation ID: 233174). Based on the current evidence available, this variant is interpreted as likely pathogenic.

Ambry Genetics
Classification: Pathogenic for Hereditary cancer-predisposing syndrome. Last evaluated: 2019-03-19. Review status: criteria provided, single submitter. Criteria: Ambry Variant Classification Scheme 2023. Collection method: clinical testing. Allele origin: germline.
Comment: The p.R1152* pathogenic mutation (also known as c.3454C>T), located in coding exon 22 of the RAD50 gene, results from a C to T substitution at nucleotide position 3454. This changes the amino acid from an arginine to a stop codon within coding exon 22. This alteration is expected to result in loss of function by premature protein truncation or nonsense-mediated mRNA decay. As such, this alteration is interpreted as a disease-causing mutation.

Gene Friend Way, National Innovation Center
Classification: Likely pathogenic for Type 2 diabetes mellitus. Last evaluated: 2025-01-01. Review status: no assertion criteria provided. Collection method: clinical testing. Allele origin: unknown. Affected: yes. Observed: 1 variant allele. Not counted in ClinVar's aggregate classification.
Comment: This variant creates a premature translational stop signal in the RAD50 gene, results in an absent or disrupted protein product. Loss-of-function variants in RAD50 are known to be pathogenic (PMID: 19409520). The RAD50 gene is associated with pancreatic beta-cell function and susceptibility to type 2 diabetes in mouse models (PMID: 39721698).

Literature cited by the submitters: PubMed 19409520 (cited by 3 submitters); PubMed 39721698 (cited by Gene Friend Way, National Innovation Center).

NM_005732.4(RAD50):c.3454C>T (p.Arg1152Ter)

Genes: TH2LCRR (T helper type 2 locus control region associated RNA; minus strand), TH2-LCR (Th2 cytokine locus control region; plus strand), RAD50 (RAD50 double strand break repair protein; plus strand). Cytogenetic location: 5q31.1.
Variant type: single nucleotide variant.
Coding change: c.3454C>T on transcript NM_005732.4 (MANE Select); coding-DNA position 3454, C replaced by T.
Protein change: p.Arg1152Ter; replaces arginine 1152 with a stop codon.
Molecular consequence: nonsense.
Genome position (GRCh38, 1-based): chr5:132,637,179, C>T. VCF-style: chr5-132637179-C-T. GRCh37 (hg19) VCF-style: chr5-131972871-C-T.
Other names: short protein forms R1152*.
Identifiers: ClinVar variation 233174 (VCV000233174.15), dbSNP rs745797941, ClinGen allele CA3405577.
Genomic context (GRCh38, chr5:132,637,179, plus strand): 5'-ATAATGAAATTTCACAGTATGAAAATGGAAGAAATCAATAAAATTATACGTGACCTGTGG[C>T]GAAGTACCTATCGTGGACAAGGTGAGTACCATGGTGTATCACAAATGCTCTTTCCAAAGC-3'